The following is an entry in ClinVar:

ClinVar aggregate classification (germline): Conflicting classifications of pathogenicity. Review status: criteria provided, conflicting classifications (1 of 4 stars). 4 submissions from 4 submitters: Uncertain significance (1); Benign (1); Likely benign (2). Last evaluated 2026-01-28.

Conditions:
X-linked severe congenital neutropenia (SCNX). Identifiers: Orphanet 86788, MedGen C1845987, MONDO:0010294, OMIM 300299.
Thrombocytopenia 1. Also called: X-linked thrombocytopenia with normal platelets; X-Linked Thrombocytopenia (XLT); THROMBOCYTOPENIA, X-LINKED, 1. Identifiers: Orphanet 268322, Orphanet 852, MedGen C1839163, MONDO:0010743, OMIM 313900.
Wiskott-Aldrich syndrome (WAS). Also called: ALDRICH SYNDROME; IMMUNODEFICIENCY 2; WISKOTT-ALDRICH SYNDROME 1; Wiskott-aldrich syndrome, somatic. Identifiers: Orphanet 906, MedGen C0043194, MONDO:0010518, OMIM 301000.

Allele frequency attached by ClinVar (database versions not stated): gnomAD exomes 0.00002 and 0.00008; gnomAD 0.00027 and 0.00031; TOPMed 0.00027; ESP Exome Variant Server 0.00031; ExAC 0.00032.
gnomAD v4.1: 56 of 1,161,694 alleles (0.0048%); highest among the groups gnomAD compares: African/African-American, 0.092%; no homozygotes.

Submissions (4):

Labcorp Genetics (formerly Invitae), Labcorp
Classification: Benign for Wiskott-Aldrich syndrome; X-linked severe congenital neutropenia; Thrombocytopenia 1. Last evaluated: 2026-01-28. Review status: criteria provided, single submitter. Criteria: Invitae Variant Classification Sherloc (09022015). Collection method: clinical testing. Allele origin: germline.

Women's Health and Genetics/Laboratory Corporation of America, LabCorp
Classification: Likely benign. Last evaluated: 2025-12-26. Review status: criteria provided, single submitter. Criteria: LabCorp Variant Classification Summary - May 2015. Collection method: clinical testing. Allele origin: germline.
Comment: Variant summary: WAS c.1181C>T (p.Pro394Leu) results in a non-conservative amino acid change in the encoded protein sequence. Algorithms developed to predict the effect of missense changes on protein structure and function all suggest that this variant is likely to be disruptive. The variant allele was found at a frequency of 4.8e-05 in 1157632 control chromosomes, including 15 hemizygotes; and predominantly at a frequency of 0.00092 within the African or African-American subpopulation in the gnomAD database. The occurrence in several hemizygotes suggests that this variant is likely not associated with a high penetrance, severe, early onset disease phenotype in hemizygous state. To our knowledge, no occurrence of c.1181C>T in individuals affected with WAS-related conditions and no experimental evidence demonstrating its impact on protein function have been reported. ClinVar contains an entry for this variant (Variation ID: 698465). Based on the evidence outlined above, the variant was classified as likely benign.

Fulgent Genetics
Classification: Likely benign for X-linked severe congenital neutropenia; Wiskott-Aldrich syndrome; Thrombocytopenia 1. Last evaluated: 2024-05-09. Review status: criteria provided, single submitter. Criteria: ACMG Guidelines, 2015. Collection method: clinical testing. Allele origin: germline.

Genetic Services Laboratory, University of Chicago
Classification: Uncertain significance. Last evaluated: 2020-02-14. Review status: criteria provided, single submitter. Criteria: ACMG Guidelines, 2015. Collection method: clinical testing. Allele origin: germline. Affected: no.
Comment: DNA sequence analysis of the WAS gene demonstrated a sequence change, c.1181C>T, in exon 10 that results in an amino acid change, p.Pro394Leu. This sequence change has been described in the gnomAD database with a frequency of 0.12% in the African sub-population (dbSNP rs373524969). The p.Pro394Leu change has been identified in a patient with primary immunodeficiency disease (PMID: 27577878). The p.Pro394Leu change affects a highly conserved amino acid residue located in a domain of the WAS protein that is not known to be functional. In-silico pathogenicity prediction tools (SIFT, PolyPhen2, Align GVGD, REVEL) provide contradictory results for the p.Pro394Leu substitution. Due to these contrasting evidences and the lack of functional studies, the clinical significance of the p.Pro394Leu change remains unknown at this time.

NM_000377.3(WAS):c.1181C>T (p.Pro394Leu)

Gene: WAS (WASP actin nucleation promoting factor; plus strand). Cytogenetic location: Xp11.23.
Variant type: single nucleotide variant.
Coding change: c.1181C>T on transcript NM_000377.3 (MANE Select); coding-DNA position 1181, C replaced by T.
Protein change: p.Pro394Leu; replaces proline 394 with leucine.
Molecular consequence: missense variant.
Genome position (GRCh38, 1-based): chrX:48,688,909, C>T. VCF-style: chrX-48688909-C-T. GRCh37 (hg19) VCF-style: chrX-48547298-C-T.
Other names: short protein forms P394L.
Identifiers: ClinVar variation 698465 (VCV000698465.16), dbSNP rs373524969, ClinGen allele CA10404044.
Genomic context (GRCh38, chrX:48,688,909, plus strand): 5'-CTACTGGACGTTCTGGACCACTGCCCCCTCCACCCCCTGGAGCTGGTGGGCCACCCATGC[C>T]ACCACCACCGCCACCACCGCCACCGCCGCCCAGCTCCGGGAATGGACCAGCCCCTCCCCC-3'
Protein context (NP_000368.1, residues 384-404): PPPGAGGPPM[Pro394Leu]PPPPPPPPPP